The following is an entry in ClinVar:

ClinVar aggregate classification (germline): Likely benign. Review status: criteria provided, multiple submitters, no conflicts (2 of 4 stars). 2 submissions from 2 submitters: Likely benign (2). Last evaluated 2024-12-03.

gnomAD v4.1: 6 of 1,543,754 alleles (0.00039%); highest among the groups gnomAD compares: Admixed American, 0.0038%; no homozygotes.

Submissions (2):

Women's Health and Genetics/Laboratory Corporation of America, LabCorp
Classification: Likely benign. Last evaluated: 2024-12-03. Review status: criteria provided, single submitter. Criteria: LabCorp Variant Classification Summary - May 2015. Collection method: clinical testing. Allele origin: germline.
Comment: Variant summary: LHX3 c.474C>G alters a non-conserved nucleotide resulting in a synonymous change. Consensus agreement among computation tools predict no significant impact on normal splicing. However, these predictions have yet to be confirmed by functional studies. The variant allele was found at a frequency of 6e-06 in 166946 control chromosomes. The available data on variant occurrences in the general population are insufficient to allow any conclusion about variant significance. To our knowledge, no occurrence of c.474C>G in individuals affected with Combined Pituitary Hormone Deficiency and no experimental evidence demonstrating its impact on protein function have been reported. ClinVar contains an entry for this variant (Variation ID: 2987368). Based on the evidence outlined above, the variant was classified as likely benign.

Labcorp Genetics (formerly Invitae), Labcorp
Classification: Likely benign. Last evaluated: 2024-03-14. Review status: criteria provided, single submitter. Criteria: Invitae Variant Classification Sherloc (09022015). Collection method: clinical testing. Allele origin: germline.

NM_178138.6(LHX3):c.459C>G (p.Ala153=)

Gene: LHX3 (LIM homeobox 3; minus strand). Cytogenetic location: 9q34.3.
Variant type: single nucleotide variant.
Coding change: c.459C>G on transcript NM_178138.6 (MANE Select); coding-DNA position 459, C replaced by G.
Protein change: p.Ala153=; no amino-acid change (alanine 153 retained).
Molecular consequence: synonymous variant.
Genome position (GRCh38, 1-based): chr9:136,199,055, G>C on the plus strand (C>G on the coding strand, the complement: LHX3 is on the minus strand). VCF-style: chr9-136199055-G-C. GRCh37 (hg19) VCF-style: chr9-139090901-G-C.
Other names: c.426C>G, p.Ala142= (NM_001363746.1); c.474C>G, p.Ala158= (NM_014564.5).
Identifiers: ClinVar variation 2987368 (VCV002987368.4), dbSNP rs551758960, ClinGen allele CA467824526.